The following is an entry in ClinVar:

NM_020964.3(EPG5):c.493C>G (p.Pro165Ala)

Gene: EPG5 (ectopic P-granules 5 autophagy tethering factor; minus strand). Cytogenetic location: 18q21.1.
Variant type: single nucleotide variant.
Coding change: c.493C>G on transcript NM_020964.3 (MANE Select); coding-DNA position 493, C replaced by G.
Protein change: p.Pro165Ala; replaces proline 165 with alanine.
Molecular consequence: missense variant.
Genome position (GRCh38, 1-based): chr18:45,954,909, G>C on the plus strand (C>G on the coding strand, the complement: EPG5 is on the minus strand). VCF-style: chr18-45954909-G-C. GRCh37 (hg19) VCF-style: chr18-43534875-G-C.
Other names: short protein forms P165A.
Identifiers: ClinVar variation 1493714 (VCV001493714.7), dbSNP rs2143788531, ClinGen allele CA402351610.

ClinVar aggregate classification (germline): Uncertain significance (1 of 4 stars; one submission).

Conditions:
Vici syndrome (VICIS). Identifiers: Orphanet 1493, MedGen C1855772, MONDO:0009452, OMIM 242840.

Submission:

Labcorp Genetics (formerly Invitae), Labcorp
Classification: Uncertain significance for Vici syndrome. Last evaluated: 2021-11-01. Review status: criteria provided, single submitter. Criteria: Invitae Variant Classification Sherloc (09022015). Collection method: clinical testing. Allele origin: germline.
Comment: In summary, the available evidence is currently insufficient to determine the role of this variant in disease. Therefore, it has been classified as a Variant of Uncertain Significance. Algorithms developed to predict the effect of missense changes on protein structure and function (SIFT, PolyPhen-2, Align-GVGD) all suggest that this variant is likely to be tolerated. This variant has not been reported in the literature in individuals affected with EPG5-related conditions. This variant is not present in population databases (gnomAD no frequency). This sequence change replaces proline, which is neutral and non-polar, with alanine, which is neutral and non-polar, at codon 165 of the EPG5 protein (p.Pro165Ala).